The following is an entry in ClinVar:

ClinVar aggregate classification (germline): Pathogenic (0 of 4 stars; one submission).

Conditions:
Fanconi anemia complementation group A (FANCA). Also called: Fanconi anemia, group A; FANCA-Related Fanconi Anemia. Identifiers: Orphanet 84, MedGen C3469521, MONDO:0009215, OMIM 227650.

Submission:

Leiden Open Variation Database
Classification: Pathogenic for Fanconi anemia complementation group A. Last evaluated: 2020-02-28. Review status: no assertion criteria provided. Collection method: curation. Allele origin: germline. Affected: yes.
Comment: Curator: Arleen D. Auerbach. Submitter to LOVD: Arleen D. Auerbach.

Literature cited by the submitters: PubMed 25168418.

NC_000016.10:g.88311553_88355680del

Variant type: Deletion.
Identifiers: ClinVar variation 974303 (VCV000974303.1).